The following is an entry in ClinVar:

ClinVar aggregate classification (germline): Pathogenic (1 of 4 stars; one submission).

Conditions:
MHC class II deficiency. Also called: Bare lymphocyte syndrome 2; BLS, TYPE II. Identifiers: Orphanet 572, MedGen C5447452, MONDO:0008855.

Allele frequency attached by ClinVar (database versions not stated): gnomAD exomes below 0.00001; ExAC 0.00001; gnomAD 0.00001; TOPMed 0.00003; ESP Exome Variant Server 0.00008.
gnomAD v4.1: 5 of 1,613,406 alleles (0.00031%); highest among the groups gnomAD compares: African/African-American, 0.0053%; no homozygotes.

Submission:

Labcorp Genetics (formerly Invitae), Labcorp
Classification: Pathogenic for MHC class II deficiency. Last evaluated: 2023-08-04. Review status: criteria provided, single submitter. Criteria: Invitae Variant Classification Sherloc (09022015). Collection method: clinical testing. Allele origin: germline.
Comment: For these reasons, this variant has been classified as Pathogenic. This variant disrupts a region of the RFX5 protein in which other variant(s) (p.Ser571Glnfs*22) have been determined to be pathogenic (Invitae). This suggests that this is a clinically significant region of the protein, and that variants that disrupt it are likely to be disease-causing. Algorithms developed to predict the effect of sequence changes on RNA splicing suggest that this variant may disrupt the consensus splice site. This premature translational stop signal has been observed in individual(s) with bare lymphocyte syndrome (PMID: 10395672). This variant is present in population databases (rs368167684, gnomAD 0.01%). This sequence change creates a premature translational stop signal (p.Gln321*) in the RFX5 gene. While this is not anticipated to result in nonsense mediated decay, it is expected to disrupt the last 296 amino acid(s) of the RFX5 protein.

Literature cited by the submitters: PubMed 10395672.

NM_001025603.2(RFX5):c.961C>T (p.Gln321Ter)

Gene: RFX5 (regulatory factor X5; minus strand). Cytogenetic location: 1q21.3.
Variant type: single nucleotide variant.
Coding change: c.961C>T on transcript NM_001025603.2 (MANE Select); coding-DNA position 961, C replaced by T.
Protein change: p.Gln321Ter; replaces glutamine 321 with a stop codon.
Molecular consequence: nonsense.
Genome position (GRCh38, 1-based): chr1:151,343,076, G>A on the plus strand (C>T on the coding strand, the complement: RFX5 is on the minus strand). VCF-style: chr1-151343076-G-A. GRCh37 (hg19) VCF-style: chr1-151315552-G-A.
Other names: c.961C>T, p.Gln321Ter (NM_000449.4, NM_001379412.1, NM_001379413.1 and 5 more transcripts); c.841C>T, p.Gln281Ter (NM_001379419.1, NM_001379420.1); short protein forms Q281*, Q321*.
Identifiers: ClinVar variation 2733985 (VCV002733985.3), dbSNP rs368167684, ClinGen allele CA1089696.